The following is an entry in ClinVar:

ClinVar aggregate classification (germline): Uncertain significance (1 of 4 stars; one submission).

Allele frequency attached by ClinVar (database versions not stated): gnomAD exomes below 0.00001.
gnomAD v4.1: 1 of 1,613,958 alleles (0.000062%); highest among the groups gnomAD compares: Non-Finnish European, 0.000085%; no homozygotes.

Submission:

Labcorp Genetics (formerly Invitae), Labcorp
Classification: Uncertain significance. Last evaluated: 2024-03-11. Review status: criteria provided, single submitter. Criteria: Invitae Variant Classification Sherloc (09022015). Collection method: clinical testing. Allele origin: germline.
Comment: This sequence change replaces isoleucine, which is neutral and non-polar, with methionine, which is neutral and non-polar, at codon 38 of the PROSC protein (p.Ile38Met). This variant is not present in population databases (gnomAD no frequency). This variant has not been reported in the literature in individuals affected with PROSC-related conditions. An algorithm developed to predict the effect of missense changes on protein structure and function (PolyPhen-2) suggests that this variant is likely to be tolerated. In summary, the available evidence is currently insufficient to determine the role of this variant in disease. Therefore, it has been classified as a Variant of Uncertain Significance.

NM_007198.4(PLPBP):c.114C>G (p.Ile38Met)

Gene: PLPBP (pyridoxal phosphate binding protein; plus strand). Cytogenetic location: 8p11.23.
Variant type: single nucleotide variant.
Coding change: c.114C>G on transcript NM_007198.4 (MANE Select); coding-DNA position 114, C replaced by G.
Protein change: p.Ile38Met; replaces isoleucine 38 with methionine.
Molecular consequence: missense variant. On other transcripts: 5 prime UTR variant (1).
Genome position (GRCh38, 1-based): chr8:37,765,540, C>G. VCF-style: chr8-37765540-C-G. GRCh37 (hg19) VCF-style: chr8-37623058-C-G.
Other names: c.114C>G, p.Ile38Met (NM_001349346.2, NM_001349347.2); c.-43C>G (NM_001349348.2); c.219C>G, p.Ile73Met (NM_001349349.1); short protein forms I73M, I38M.
Identifiers: ClinVar variation 2702092 (VCV002702092.3), dbSNP rs2487369470, ClinGen allele CA370666497.